The following is an entry in ClinVar:

NM_003737.4(DCHS1):c.1888C>T (p.Arg630Cys)

Gene: DCHS1 (dachsous cadherin-related 1; minus strand). Cytogenetic location: 11p15.4.
Variant type: single nucleotide variant.
Coding change: c.1888C>T on transcript NM_003737.4 (MANE Select); coding-DNA position 1888, C replaced by T.
Protein change: p.Arg630Cys; replaces arginine 630 with cysteine.
Molecular consequence: missense variant.
Genome position (GRCh38, 1-based): chr11:6,634,216, G>A on the plus strand (C>T on the coding strand, the complement: DCHS1 is on the minus strand). VCF-style: chr11-6634216-G-A. GRCh37 (hg19) VCF-style: chr11-6655447-G-A.
Other names: short protein forms R630C.
Identifiers: ClinVar variation 2058272 (VCV002058272.4), dbSNP rs574604458, ClinGen allele CA5860865.

ClinVar aggregate classification (germline): Uncertain significance (1 of 4 stars; one submission).

Allele frequency attached by ClinVar (database versions not stated): ExAC 0.00003; 1000 Genomes Project 0.00020; 1000 Genomes Project 30x 0.00031.
gnomAD v4.1: 65 of 1,613,972 alleles (0.004%); highest among the groups gnomAD compares: South Asian, 0.019%; no homozygotes.

Submission:

Labcorp Genetics (formerly Invitae), Labcorp
Classification: Uncertain significance. Last evaluated: 2024-11-25. Review status: criteria provided, single submitter. Criteria: Invitae Variant Classification Sherloc (09022015). Collection method: clinical testing. Allele origin: germline.
Comment: This sequence change replaces arginine, which is basic and polar, with cysteine, which is neutral and slightly polar, at codon 630 of the DCHS1 protein (p.Arg630Cys). This variant is present in population databases (rs574604458, gnomAD 0.02%). This variant has not been reported in the literature in individuals affected with DCHS1-related conditions. ClinVar contains an entry for this variant (Variation ID: 2058272). Invitae Evidence Modeling of protein sequence and biophysical properties (such as structural, functional, and spatial information, amino acid conservation, physicochemical variation, residue mobility, and thermodynamic stability) indicates that this missense variant is expected to disrupt DCHS1 protein function with a positive predictive value of 80%. In summary, the available evidence is currently insufficient to determine the role of this variant in disease. Therefore, it has been classified as a Variant of Uncertain Significance.